The following is an entry in ClinVar:

ClinVar aggregate classification (germline): Uncertain significance (1 of 4 stars; one submission).

Conditions:
Hereditary sensory and autonomic neuropathy type 6. Also called: HSAN VI; Neuropathy, hereditary sensory and autonomic, type VI. Identifiers: Orphanet 314381, MedGen C3539003, MONDO:0013839, OMIM 614653.
Epidermolysis bullosa simplex 3, localized or generalized intermediate, with BP230 deficiency (EBS3). Also called: Epidermolysis bullosa simplex due to BP230 deficiency; Epidermolysis bullosa simplex, autosomal recessive 2. Identifiers: Orphanet 412181, MedGen C3809470, MONDO:0014180, OMIM 615425.

Allele frequency attached by ClinVar (database versions not stated): gnomAD exomes 0.00001; ExAC 0.00002; TOPMed 0.00002.
gnomAD v4.1: 17 of 1,613,800 alleles (0.0011%); highest among the groups gnomAD compares: Non-Finnish European, 0.0014%; no homozygotes.

Submission:

Labcorp Genetics (formerly Invitae), Labcorp
Classification: Uncertain significance for Epidermolysis bullosa simplex 3, localized or generalized intermediate, with BP230 deficiency; Hereditary sensory and autonomic neuropathy type 6. Last evaluated: 2021-12-11. Review status: criteria provided, single submitter. Criteria: Invitae Variant Classification Sherloc (09022015). Collection method: clinical testing. Allele origin: germline.
Comment: The DST gene has multiple clinically relevant transcripts. This variant occurs in alternate transcript NM_015548.4, and corresponds to NM_001723.5:c.*87975C>T in the primary transcript. This sequence change replaces threonine, which is neutral and polar, with isoleucine, which is neutral and non-polar, at codon 3335 of the DST protein (p.Thr3335Ile). This variant is present in population databases (rs778375291, gnomAD 0.006%). This variant has not been reported in the literature in individuals affected with DST-related conditions. Experimental studies and prediction algorithms are not available or were not evaluated, and the functional significance of this variant is currently unknown. In summary, the available evidence is currently insufficient to determine the role of this variant in disease. Therefore, it has been classified as a Variant of Uncertain Significance.

NM_001374736.1(DST):c.17873C>T (p.Thr5958Ile)

Gene: DST (dystonin; minus strand). Cytogenetic location: 6p12.1.
Variant type: single nucleotide variant.
Coding change: c.17873C>T on transcript NM_001374736.1 (MANE Select); coding-DNA position 17873, C replaced by T.
Protein change: p.Thr5958Ile; replaces threonine 5958 with isoleucine.
Molecular consequence: missense variant.
Genome position (GRCh38, 1-based): chr6:56,527,542, G>A on the plus strand (C>T on the coding strand, the complement: DST is on the minus strand). VCF-style: chr6-56527542-G-A. GRCh37 (hg19) VCF-style: chr6-56392340-G-A.
Other names: c.11516C>T, p.Thr3839Ile (NM_001144769.5); c.11102C>T, p.Thr3701Ile (NM_001144770.2); c.17873C>T, p.Thr5958Ile (NM_001374722.1); c.16913C>T, p.Thr5638Ile (NM_001374729.1); c.10655C>T, p.Thr3552Ile (NM_001374730.1); c.17900C>T, p.Thr5967Ile (NM_001374734.1); c.10982C>T, p.Thr3661Ile (NM_001386100.1, NM_183380.4); c.10004C>T, p.Thr3335Ile (NM_015548.5); short protein forms T3661I, T3335I, T3552I, T5638I, T3701I, T3839I, T5958I, T5967I.
Identifiers: ClinVar variation 2174521 (VCV002174521.1), dbSNP rs778375291, ClinGen allele CA3867349.